The following is an entry in ClinVar:

ClinVar aggregate classification (germline): Uncertain significance (1 of 4 stars; one submission).

Conditions:
Inborn genetic diseases. Identifiers: MedGen C0950123, MeSH D030342.

gnomAD v4.1: 2 of 1,403,232 alleles (0.00014%); highest among the groups gnomAD compares: South Asian, 0.0028%; no homozygotes.

Submission:

Ambry Genetics
Classification: Uncertain significance for Inborn genetic diseases. Last evaluated: 2026-06-10. Review status: criteria provided, single submitter. Criteria: Ambry Variant Classification Scheme 2023. Collection method: clinical testing. Allele origin: germline.
Comment: The c.49G>A (p.G17R) alteration is located in exon 1 (coding exon 1) of the COL9A3 gene. This alteration results from a G to A substitution at nucleotide position 49, causing the glycine (G) at amino acid position 17 to be replaced by an arginine (R). Based on data from gnomAD, the A allele has an overall frequency of 0.001% (1/75774) total alleles studied. The highest observed frequency was 0.006% (1/16160) of South Asian alleles. Based on insufficient or conflicting evidence, the clinical significance of this alteration remains unclear.

NM_001853.4(COL9A3):c.49G>A (p.Gly17Arg)

Gene: COL9A3 (collagen type IX alpha 3 chain; plus strand). Cytogenetic location: 20q13.33.
Variant type: single nucleotide variant.
Coding change: c.49G>A on transcript NM_001853.4 (MANE Select); coding-DNA position 49, G replaced by A.
Protein change: p.Gly17Arg; replaces glycine 17 with arginine.
Molecular consequence: missense variant.
Genome position (GRCh38, 1-based): chr20:62,817,113, G>A. VCF-style: chr20-62817113-G-A. GRCh37 (hg19) VCF-style: chr20-61448465-G-A.
Other names: short protein forms G17R.
Identifiers: ClinVar variation 4869327 (VCV004869327.1).